The following is an entry in ClinVar:

ClinVar aggregate classification (germline): Uncertain significance (1 of 4 stars; one submission).

Submission:

ISCA Site 6
Classification: Uncertain significance. Last evaluated: 2011-08-12. Review status: criteria provided, single submitter. Criteria: Kaminsky et al. (Genet Med. 2011). Collection method: clinical testing. Allele origin: unknown. Affected: yes. Observed: 1 variant allele.
Comment: Copy number variation identified through the course of routine clinical cytogenomic testing in postnatal populations. Clinical assertions have been curated as described in Kaminsky et al. 2011.

GRCh38/hg38 19q13.42(chr19:53553042-53899466)x3

Genes: DPRX (divergent-paired related homeobox; plus strand), MIR1283-1 (microRNA 1283-1; plus strand), MIR1283-2 (microRNA 1283-2; plus strand), MIR1323 (microRNA 1323; plus strand), MIR371A (microRNA 371a; plus strand) and 55 more. Cytogenetic location: 19q13.42.
Variant type: copy number gain.
Change: copy number 3 (three copies instead of two) of chr19:53,553,042-53,899,466 (346.4 kb, GRCh38 coordinates, 1-based), cytogenetic band 19q13.42.
Identifiers: ClinVar variation 58804 (VCV000058804.2).